The following is an entry in ClinVar:

NM_198834.3(ACACA):c.5708A>G (p.Asn1903Ser)

Gene: ACACA (acetyl-CoA carboxylase alpha; minus strand). Cytogenetic location: 17q12.
Variant type: single nucleotide variant.
Coding change: c.5708A>G on transcript NM_198834.3 (MANE Select); coding-DNA position 5708, A replaced by G.
Protein change: p.Asn1903Ser; replaces asparagine 1903 with serine.
Molecular consequence: missense variant.
Genome position (GRCh38, 1-based): chr17:37,130,190, T>C on the plus strand (A>G on the coding strand, the complement: ACACA is on the minus strand). VCF-style: chr17-37130190-T-C. GRCh37 (hg19) VCF-style: chr17-35487116-T-C.
Other names: c.5597A>G (NM_198839.1); c.5597A>G, p.Asn1866Ser (NM_198836.3, NM_198839.3); c.5423A>G, p.Asn1808Ser (NM_198837.2); c.5363A>G, p.Asn1788Ser (NM_198838.2); short protein forms N1808S, N1866S, N1788S, N1903S.
Identifiers: ClinVar variation 2963560 (VCV002963560.4), dbSNP rs150075920, ClinGen allele CA8514798.
Genomic context (GRCh38, chr17:37,130,190, plus strand): 5'-CACACAGTGCAGTGGGTCACCCCATTGTTGTGCATAATCTGGATGCCCCCCAGCTGGTTA[T>C]TGGAGGTGTACACTTCCCGCCCGAGGACCTAGAGAAAAGAGCAAGAGAAAAGACATTTGT-3'
Protein context (NP_942131.1, residues 1893-1913): KVLGREVYTS[Asn1903Ser]NQLGGIQIMH

ClinVar aggregate classification (germline): Uncertain significance. Review status: criteria provided, multiple submitters, no conflicts (2 of 4 stars). 2 submissions from 2 submitters: Uncertain significance (2). Last evaluated 2025-06-12.

Allele frequency attached by ClinVar (database versions not stated): gnomAD exomes 0.00002; TOPMed 0.00015; gnomAD 0.00012; ExAC 0.00007; ESP Exome Variant Server 0.00038.
gnomAD v4.1: 54 of 1,614,024 alleles (0.0033%); highest among the groups gnomAD compares: African/African-American, 0.029%; no homozygotes.

Submissions (2):

Labcorp Genetics (formerly Invitae), Labcorp
Classification: Uncertain significance. Last evaluated: 2025-06-12. Review status: criteria provided, single submitter. Criteria: Invitae Variant Classification Sherloc (09022015). Collection method: clinical testing. Allele origin: germline.
Comment: This sequence change replaces asparagine, which is neutral and polar, with serine, which is neutral and polar, at codon 1866 of the ACACA protein (p.Asn1866Ser). This variant is present in population databases (rs150075920, gnomAD 0.04%). This variant has not been reported in the literature in individuals affected with ACACA-related conditions. ClinVar contains an entry for this variant (Variation ID: 2963560). An algorithm developed to predict the effect of missense changes on protein structure and function (PolyPhen-2) suggests that this variant is likely to be disruptive. In summary, the available evidence is currently insufficient to determine the role of this variant in disease. Therefore, it has been classified as a Variant of Uncertain Significance.

Ambry Genetics
Classification: Uncertain significance. Last evaluated: 2021-10-27. Review status: criteria provided, single submitter. Criteria: Ambry Variant Classification Scheme 2023. Collection method: clinical testing. Allele origin: germline.